The following is an entry in ClinVar:

NM_153026.3(PRICKLE1):c.2473G>A (p.Gly825Ser)

Gene: PRICKLE1 (prickle planar cell polarity protein 1; minus strand). Cytogenetic location: 12q12.
Variant type: single nucleotide variant.
Coding change: c.2473G>A on transcript NM_153026.3 (MANE Select); coding-DNA position 2473, G replaced by A.
Protein change: p.Gly825Ser; replaces glycine 825 with serine.
Molecular consequence: missense variant.
Genome position (GRCh38, 1-based): chr12:42,459,832, C>T on the plus strand (G>A on the coding strand, the complement: PRICKLE1 is on the minus strand). VCF-style: chr12-42459832-C-T. GRCh37 (hg19) VCF-style: chr12-42853634-C-T.
Other names: c.2473G>A, p.Gly825Ser (NM_001144881.2, NM_001144882.2, NM_001144883.2); short protein forms G825S.
Identifiers: ClinVar variation 469510 (VCV000469510.8), dbSNP rs1555229171, ClinGen allele CA384439391.
Genomic context (GRCh38, chr12:42,459,832, plus strand): 5'-GCTAAGTTTTAAACAAATGCTCTGCATCACTACTTGGTTAAGAAATAATACAATTTTTGC[C>T]CTTGTGTCCCTTTTTCTTCTTGGATTTTGTTGTCCTCTGACCAAACTGAGGGGTGGGAAG-3'
Protein context (NP_694571.2, residues 815-831): TKSKKKKGHK[Gly825Ser]KNCIIS

ClinVar aggregate classification (germline): Uncertain significance (1 of 4 stars; one submission).

Conditions:
Epilepsy, progressive myoclonic, 1B. Also called: PME. Identifiers: Orphanet 308, MedGen C2676254, MONDO:0012904, OMIM 612437.

Allele frequency attached by ClinVar (database versions not stated): gnomAD exomes below 0.00001; gnomAD 0.00001.

Submission:

Labcorp Genetics (formerly Invitae), Labcorp
Classification: Uncertain significance for Epilepsy, progressive myoclonic, 1B. Last evaluated: 2022-10-17. Review status: criteria provided, single submitter. Criteria: Invitae Variant Classification Sherloc (09022015). Collection method: clinical testing. Allele origin: germline.
Comment: This sequence change replaces glycine, which is neutral and non-polar, with serine, which is neutral and polar, at codon 825 of the PRICKLE1 protein (p.Gly825Ser). In summary, the available evidence is currently insufficient to determine the role of this variant in disease. Therefore, it has been classified as a Variant of Uncertain Significance. Advanced modeling of protein sequence and biophysical properties (such as structural, functional, and spatial information, amino acid conservation, physicochemical variation, residue mobility, and thermodynamic stability) performed at Invitae indicates that this missense variant is not expected to disrupt PRICKLE1 protein function. ClinVar contains an entry for this variant (Variation ID: 469510). This variant has not been reported in the literature in individuals affected with PRICKLE1-related conditions. This variant is not present in population databases (gnomAD no frequency).